The following is an entry in ClinVar:

ClinVar aggregate classification (germline): Uncertain significance (1 of 4 stars; one submission).

Conditions:
Hereditary cancer-predisposing syndrome. Also called: Neoplastic Syndromes, Hereditary; Tumor predisposition; Hereditary Cancer Syndrome; Hereditary neoplastic syndrome. Identifiers: Orphanet 140162, MedGen C0027672, MeSH D009386, MONDO:0015356.

Submission:

Ambry Genetics
Classification: Uncertain significance for Hereditary cancer-predisposing syndrome. Last evaluated: 2026-05-23. Review status: criteria provided, single submitter. Criteria: Ambry Variant Classification Scheme 2023. Collection method: clinical testing. Allele origin: germline.
Comment: The p.T584S variant (also known as c.1750A>T), located in coding exon 16 of the TSC2 gene, results from an A to T substitution at nucleotide position 1750. The threonine at codon 584 is replaced by serine, an amino acid with similar properties. This amino acid position is conserved. In addition, this alteration is predicted to be tolerated by in silico analysis. Based on the available evidence, the clinical significance of this variant remains unclear.

NM_000548.5(TSC2):c.1750A>T (p.Thr584Ser)

Gene: TSC2 (TSC complex subunit 2; plus strand). Cytogenetic location: 16p13.3.
Variant type: single nucleotide variant.
Coding change: c.1750A>T on transcript NM_000548.5 (MANE Select); coding-DNA position 1750, A replaced by T.
Protein change: p.Thr584Ser; replaces threonine 584 with serine.
Molecular consequence: missense variant. On other transcripts: non-coding transcript variant (5).
Genome position (GRCh38, 1-based): chr16:2,070,489, A>T. VCF-style: chr16-2070489-A-T. GRCh37 (hg19) VCF-style: chr16-2120490-A-T.
Other names: c.406A>T, p.Thr136Ser (NM_001406692.1, NM_001406693.1, NM_001406694.1 and 6 more transcripts); c.148A>T, p.Thr50Ser (NM_001406698.1); c.1750A>T, p.Thr584Ser (NM_021055.3, NM_001077183.3, NM_001114382.3 and 6 more transcripts); c.1150A>T, p.Thr384Ser (NM_001406688.1, NM_001318831.2, NM_001406680.1 and 6 more transcripts); c.1639A>T, p.Thr547Ser (NM_001318827.2, NM_001406678.1, NM_001406670.1); c.1603A>T, p.Thr535Ser (NM_001318829.2, NM_001406675.1, NM_001406676.1 and 1 more transcripts); c.1738A>T, p.Thr580Ser (NM_001406671.1, NM_001406673.1); c.1693A>T, p.Thr565Ser (NM_001406677.1); and 3 more; short protein forms T136S, T384S, T430S, T50S, T535S, T547S, T565S, T580S.
Identifiers: ClinVar variation 4866129 (VCV004866129.1).